The following is an entry in ClinVar:

NM_006531.5(IFT88):c.1868T>C (p.Ile623Thr)

Gene: IFT88 (intraflagellar transport 88; plus strand). Cytogenetic location: 13q12.11.
Variant type: single nucleotide variant.
Coding change: c.1868T>C on transcript NM_006531.5 (MANE Select); coding-DNA position 1868, T replaced by C.
Protein change: p.Ile623Thr; replaces isoleucine 623 with threonine.
Molecular consequence: missense variant. On other transcripts: non-coding transcript variant (4).
Genome position (GRCh38, 1-based): chr13:20,644,877, T>C. VCF-style: chr13-20644877-T-C. GRCh37 (hg19) VCF-style: chr13-21219016-T-C.
Other names: c.1811T>C, p.Ile604Thr (NM_001318491.2, NM_001353575.2); c.1895T>C, p.Ile632Thr (NM_001318493.2, NM_001353565.2, NM_001353566.2 and 2 more transcripts); c.1868T>C, p.Ile623Thr (NM_001353568.2, NM_001353572.2); c.1793T>C, p.Ile598Thr (NM_001353569.2, NM_001353570.2, NM_001353576.2 and 1 more transcripts); c.1766T>C, p.Ile589Thr (NM_001353571.2, NM_001353578.2); c.1724T>C, p.Ile575Thr (NM_001353573.2); c.1709T>C, p.Ile570Thr (NM_001353574.2); c.1235T>C, p.Ile412Thr (NM_001353579.2); short protein forms I575T, I598T, I604T, I632T, I412T, I570T, I589T, I623T.
Identifiers: ClinVar variation 4273983 (VCV004273983.2).
Genomic context (GRCh38, chr13:20,644,877, plus strand): 5'-TGTTACATTCCATATTTGTTTTACAGTCATATAGGTATTTTCCTTGTAATATTGAAGTCA[T>C]TGAGTGGCTTGGAGCCTATTACATTGACACCCAATTTTGGGAAAAAGCTATTCAGTACTT-3'
Protein context (NP_006522.2, residues 613-633): YRYFPCNIEV[Ile623Thr]EWLGAYYIDT

ClinVar aggregate classification (germline): Uncertain significance. Review status: criteria provided, multiple submitters, no conflicts (2 of 4 stars). 2 submissions from 2 submitters: Uncertain significance (2). Last evaluated 2025-09-01.

gnomAD v4.1: 8 of 1,595,220 alleles (0.0005%); highest among the groups gnomAD compares: African/African-American, 0.0013%; no homozygotes.

Submissions (2):

Labcorp Genetics (formerly Invitae), Labcorp
Classification: Uncertain significance. Last evaluated: 2025-09-01. Review status: criteria provided, single submitter. Criteria: Invitae Variant Classification Sherloc (09022015). Collection method: clinical testing. Allele origin: germline.
Comment: This sequence change replaces isoleucine, which is neutral and non-polar, with threonine, which is neutral and polar, at codon 632 of the IFT88 protein (p.Ile632Thr). This variant is present in population databases (no rsID available, gnomAD 0.0009%). This variant has not been reported in the literature in individuals affected with IFT88-related conditions. An algorithm developed to predict the effect of missense changes on protein structure and function (PolyPhen-2) suggests that this variant is likely to be disruptive. In summary, the available evidence is currently insufficient to determine the role of this variant in disease. Therefore, it has been classified as a Variant of Uncertain Significance.

Ambry Genetics
Classification: Uncertain significance. Last evaluated: 2025-08-31. Review status: criteria provided, single submitter. Criteria: Ambry Variant Classification Scheme 2023. Collection method: clinical testing. Allele origin: germline.